The following is an entry in ClinVar:

ClinVar aggregate classification (germline): Benign/Likely benign. Review status: criteria provided, multiple submitters, no conflicts (2 of 4 stars). 10 submissions from 10 submitters: Benign (1); Likely benign (8). 1 of the submissions does not count toward it. Last evaluated 2026-02-02.

Conditions:
Hereditary cancer-predisposing syndrome. Also called: Tumor predisposition; Neoplastic Syndromes, Hereditary; Hereditary Cancer Syndrome; Hereditary neoplastic syndrome. Identifiers: Orphanet 140162, MedGen C0027672, MeSH D009386, MONDO:0015356.
Breast-ovarian cancer, familial, susceptibility to, 4. Identifiers: Orphanet 145, MedGen C3280345, MONDO:0013669, OMIM 614291.

Allele frequency attached by ClinVar (database versions not stated): gnomAD 0.00001 and 0.00003; gnomAD exomes 0.00004 and 0.00011; ExAC 0.00005; 1000 Genomes Project 30x 0.00016; 1000 Genomes Project 0.00020.
gnomAD v4.1: 157 of 1,614,202 alleles (0.0097%); highest among the groups gnomAD compares: East Asian, 0.35%; 1 homozygote.

Submissions (10):

Labcorp Genetics (formerly Invitae), Labcorp
Classification: Likely benign for Breast-ovarian cancer, familial, susceptibility to, 4. Last evaluated: 2026-02-02. Review status: criteria provided, single submitter. Criteria: Invitae Variant Classification Sherloc (09022015). Collection method: clinical testing. Allele origin: germline.

CeGaT Center for Human Genetics Tuebingen
Classification: Likely benign. Last evaluated: 2025-05-01. Review status: criteria provided, single submitter. Criteria: CeGaT Center For Human Genetics Tuebingen Variant Classification Criteria Version 2. Collection method: clinical testing. Allele origin: germline. Affected: yes. Observed: 1 variant allele.
Comment: RAD51D: BP4, BP7

Myriad Genetics, Inc.
Classification: Benign for Breast-ovarian cancer, familial, susceptibility to, 4. Last evaluated: 2023-04-06. Review status: criteria provided, single submitter. Criteria: Myriad Autosomal Dominant, Autosomal Recessive and X-Linked Classification Criteria (2023). Collection method: clinical testing. Allele origin: unknown.
Comment: This variant is considered benign. This variant is a silent/synonymous amino acid change and it is not expected to impact splicing.

Sema4
Classification: Likely benign for Hereditary cancer-predisposing syndrome. Last evaluated: 2021-08-11. Review status: criteria provided, single submitter. Criteria: Sema4 Curation Guidelines. Collection method: curation. Allele origin: germline.

Blueprint Genetics
Classification: Likely benign. Last evaluated: 2021-03-24. Review status: criteria provided, single submitter. Criteria: ACMG Guidelines, 2015. Collection method: clinical testing. Allele origin: germline.

Women's Health and Genetics/Laboratory Corporation of America, LabCorp
Classification: Likely benign. Last evaluated: 2020-04-23. Review status: criteria provided, single submitter. Criteria: LabCorp Variant Classification Summary - May 2015. Collection method: clinical testing. Allele origin: germline.

GeneDx
Classification: Likely benign. Last evaluated: 2018-08-13. Review status: criteria provided, single submitter. Criteria: GeneDx Variant Classification Process June 2021. Collection method: clinical testing. Allele origin: germline. Affected: yes.

Color Diagnostics, LLC DBA Color Health
Classification: Likely benign for Hereditary cancer-predisposing syndrome. Last evaluated: 2015-07-15. Review status: criteria provided, single submitter. Criteria: ACMG Guidelines, 2015. Collection method: clinical testing. Allele origin: germline.

Ambry Genetics
Classification: Likely benign for Hereditary cancer-predisposing syndrome. Last evaluated: 2015-01-12. Review status: criteria provided, single submitter. Criteria: Ambry Variant Classification Scheme 2023. Collection method: clinical testing. Allele origin: germline.

Counsyl
Classification: Likely benign for Breast-ovarian cancer, familial, susceptibility to, 4. Last evaluated: 2016-07-05. Review status: no assertion criteria provided. Collection method: clinical testing. Allele origin: unknown. Not counted in ClinVar's aggregate classification.

NM_002878.4(RAD51D):c.198G>T (p.Val66=)

Genes: RAD51D (RAD51 paralog D; minus strand), RAD51L3-RFFL (RAD51L3-RFFL readthrough; minus strand). Cytogenetic location: 17q12.
Variant type: single nucleotide variant.
Coding change: c.198G>T on transcript NM_002878.4 (MANE Select); coding-DNA position 198, G replaced by T.
Protein change: p.Val66=; no amino-acid change (valine 66 retained).
Molecular consequence: synonymous variant. On other transcripts: intron variant (2).
Genome position (GRCh38, 1-based): chr17:35,118,566, C>A on the plus strand (G>T on the coding strand, the complement: RAD51D is on the minus strand). VCF-style: chr17-35118566-C-A. GRCh37 (hg19) VCF-style: chr17-33445585-C-A.
Other names: c.144+545G>T (NM_133629.3, NM_001142571.2).
Identifiers: ClinVar variation 184496 (VCV000184496.34), dbSNP rs200810304, ClinGen allele CA189128.